The following is an entry in ClinVar:

ClinVar aggregate classification (germline): Uncertain significance (1 of 4 stars; one submission).

Conditions:
Arrhythmogenic right ventricular dysplasia 11. Also called: ARRHYTHMOGENIC RIGHT VENTRICULAR DYSPLASIA, FAMILIAL, 11; Arrhythmogenic Right Ventricular Dysplasia/Cardiomyopathy11; Arrhythmogenic right ventricular dysplasia 11 with mild palmoplantar keratoderma and woolly hair. Identifiers: MedGen C1864850, MONDO:0012506, OMIM 610476.

gnomAD v4.1: 1 of 1,612,340 alleles (0.000062%); highest among the groups gnomAD compares: Admixed American, 0.0017%; no homozygotes.

Submission:

Labcorp Genetics (formerly Invitae), Labcorp
Classification: Uncertain significance for Arrhythmogenic right ventricular dysplasia 11. Last evaluated: 2025-09-10. Review status: criteria provided, single submitter. Criteria: Invitae Variant Classification Sherloc (09022015). Collection method: clinical testing. Allele origin: germline.
Comment: This sequence change replaces glycine, which is neutral and non-polar, with alanine, which is neutral and non-polar, at codon 555 of the DSC2 protein (p.Gly555Ala). This variant is present in population databases (rs766681408, gnomAD 0.003%). This variant has not been reported in the literature in individuals affected with DSC2-related conditions. An algorithm developed to predict the effect of missense changes on protein structure and function outputs the following: PolyPhen-2: "Benign". The alanine amino acid residue is found in multiple mammalian species, which suggests that this missense change does not adversely affect protein function. Algorithms developed to predict the effect of sequence changes on RNA splicing suggest that this variant may create or strengthen a splice site. In summary, the available evidence is currently insufficient to determine the role of this variant in disease. Therefore, it has been classified as a Variant of Uncertain Significance.

NM_024422.6(DSC2):c.1664G>C (p.Gly555Ala)

Gene: DSC2 (desmocollin 2; minus strand). Cytogenetic location: 18q12.1.
Variant type: single nucleotide variant.
Coding change: c.1664G>C on transcript NM_024422.6 (MANE Select); coding-DNA position 1664, G replaced by C.
Protein change: p.Gly555Ala; replaces glycine 555 with alanine.
Molecular consequence: missense variant.
Genome position (GRCh38, 1-based): chr18:31,074,907, C>G on the plus strand (G>C on the coding strand, the complement: DSC2 is on the minus strand). VCF-style: chr18-31074907-C-G. GRCh37 (hg19) VCF-style: chr18-28654873-C-G.
Other names: c.1235G>C, p.Gly412Ala (NM_001406506.1, NM_001406507.1); c.1664G>C, p.Gly555Ala (NM_004949.5); short protein forms G555A, G412A.
Identifiers: ClinVar variation 4748533 (VCV004748533.1).